The following is an entry in ClinVar:

ClinVar aggregate classification (germline): Uncertain significance. Review status: criteria provided, multiple submitters, no conflicts (2 of 4 stars). 3 submissions from 3 submitters: Uncertain significance (3). Last evaluated 2025-11-25.

Conditions:
Hereditary cancer-predisposing syndrome. Also called: Neoplastic Syndromes, Hereditary; Tumor predisposition; Hereditary Cancer Syndrome; Hereditary neoplastic syndrome. Identifiers: Orphanet 140162, MedGen C0027672, MeSH D009386, MONDO:0015356.
Lynch syndrome. Identifiers: Orphanet 144, MedGen C4552100, MONDO:0005835. Disease mechanism: loss of function.

Allele frequency attached by ClinVar (database versions not stated): gnomAD exomes below 0.00001.

Submissions (3):

Ambry Genetics
Classification: Uncertain significance for Hereditary cancer-predisposing syndrome. Last evaluated: 2025-11-25. Review status: criteria provided, single submitter. Criteria: Ambry Variant Classification Scheme 2023. Collection method: clinical testing. Allele origin: germline.
Comment: The c.-3T>G variant is located in the 5' untranslated region (5&rsquo; UTR) of the PMS2 gene. This variant results from a T to G substitution 3 bases upstream from the first translated codon. This nucleotide position is well conserved in available vertebrate species. Based on the available evidence, the clinical significance of this variant remains unclear.

All of Us Research Program, National Institutes of Health
Classification: Uncertain significance for Lynch syndrome. Last evaluated: 2024-07-10. Review status: criteria provided, single submitter. Criteria: ACMG Guidelines, 2015. Collection method: clinical testing. Allele origin: germline. Inheritance: Autosomal dominant inheritance. Observed: 1 variant allele, 1 heterozygote.
Comment: This variant is located in the 5' untranslated region of the PMS2 gene. A functional study has reported that the variant does not impact translation efficiency (PMID: 38654521). This variant has not been reported in individuals affected with PMS2-related disorders in the literature. This variant has not been identified in the general population by the Genome Aggregation Database (gnomAD). The available evidence is insufficient to determine the role of this variant in disease conclusively. Therefore, this variant is classified as a Variant of Uncertain Significance.

This study involves interpretation of variants in research participants for the purpose of population health screening. Participant phenotype was not available at the time of variant classification. Additional details can be found in publication PMID: 35346344, PMCID: PMC8962531

Women's Health and Genetics/Laboratory Corporation of America, LabCorp
Classification: Uncertain significance. Last evaluated: 2024-01-15. Review status: criteria provided, single submitter. Criteria: LabCorp Variant Classification Summary - May 2015. Collection method: clinical testing. Allele origin: germline.

Literature cited by the submitters: PubMed 38654521 (cited by All of Us Research Program, National Institutes of Health).

NM_000535.7(PMS2):c.-3T>G

Gene: PMS2 (PMS1 homolog 2, mismatch repair system component; minus strand). Cytogenetic location: 7p22.1.
Variant type: single nucleotide variant.
Coding change: c.-3T>G on transcript NM_000535.7 (MANE Select); 3 bases upstream of the start codon, T replaced by G.
Molecular consequence: 5 prime UTR variant. On other transcripts: non-coding transcript variant (1).
Genome position (GRCh38, 1-based): chr7:6,009,022, A>C on the plus strand (T>G on the coding strand, the complement: PMS2 is on the minus strand). VCF-style: chr7-6009022-A-C. GRCh37 (hg19) VCF-style: chr7-6048653-A-C.
Other names: c.-403T>G (NM_001018040.1, NM_001322003.2, NM_001322013.2 and 5 more transcripts); c.-268T>G (NM_001322004.2, NM_001322010.2, NM_001406911.1); c.-598T>G (NM_001322005.2); c.-3T>G (NM_001322006.2, NM_001322014.2, NM_001406866.1 and 11 more transcripts); c.-218T>G (NM_001322007.2, NM_001406876.1, NM_001406896.1 and 2 more transcripts); c.-78T>G (NM_001322008.2); c.-593T>G (NM_001322009.2, NM_001406897.1); c.-887T>G (NM_001322011.2); and 19 more.
Identifiers: ClinVar variation 1736916 (VCV001736916.5), dbSNP rs2536709568, ClinGen allele CA2580077218.